The following is an entry in ClinVar:

ClinVar aggregate classification (germline): Conflicting classifications of pathogenicity. Review status: criteria provided, conflicting classifications (1 of 4 stars). 3 submissions from 3 submitters: Uncertain significance (1); Likely benign (2). Last evaluated 2026-02-03.

Conditions:
Inborn genetic diseases. Identifiers: MedGen C0950123, MeSH D030342.
Koolen-de Vries syndrome (KDVS). Identifiers: Orphanet 96169, MedGen C1864871, MONDO:0012496, OMIM 610443.

Allele frequency attached by ClinVar (database versions not stated): gnomAD exomes 0.00002 and 0.00016; ExAC 0.00003; gnomAD 0.00003; TOPMed 0.00004; ESP Exome Variant Server 0.00008.
gnomAD v4.1: 232 of 1,614,006 alleles (0.014%); highest among the groups gnomAD compares: Non-Finnish European, 0.019%; no homozygotes.

Submissions (3):

Labcorp Genetics (formerly Invitae), Labcorp
Classification: Uncertain significance for Koolen-de Vries syndrome. Last evaluated: 2026-02-03. Review status: criteria provided, single submitter. Criteria: Invitae Variant Classification Sherloc (09022015). Collection method: clinical testing. Allele origin: germline.
Comment: This sequence change replaces leucine, which is neutral and non-polar, with serine, which is neutral and polar, at codon 1013 of the KANSL1 protein (p.Leu1013Ser). This variant is present in population databases (rs138490347, gnomAD 0.005%). This variant has not been reported in the literature in individuals affected with KANSL1-related conditions. ClinVar contains an entry for this variant (Variation ID: 382192). Invitae Evidence Modeling of protein sequence and biophysical properties (such as structural, functional, and spatial information, amino acid conservation, physicochemical variation, residue mobility, and thermodynamic stability) indicates that this missense variant is not expected to disrupt KANSL1 protein function with a negative predictive value of 80%. In summary, the available evidence is currently insufficient to determine the role of this variant in disease. Therefore, it has been classified as a Variant of Uncertain Significance.

Ambry Genetics
Classification: Likely benign for Inborn genetic diseases. Last evaluated: 2024-07-08. Review status: criteria provided, single submitter. Criteria: Ambry Variant Classification Scheme 2023. Collection method: clinical testing. Allele origin: germline.

GeneDx
Classification: Likely benign. Last evaluated: 2019-10-02. Review status: criteria provided, single submitter. Criteria: GeneDx Variant Classification Process June 2021. Collection method: clinical testing. Allele origin: germline. Affected: yes.

NM_015443.4(KANSL1):c.3038T>C (p.Leu1013Ser)

Gene: KANSL1 (KAT8 regulatory NSL complex subunit 1). Cytogenetic location: 17q21.31.
Variant type: single nucleotide variant.
Coding change: c.3038T>C on transcript NM_015443.4 (MANE Select); coding-DNA position 3038, T replaced by C.
Protein change: p.Leu1013Ser; replaces leucine 1013 with serine.
Molecular consequence: missense variant.
Genome position (GRCh38, 1-based): chr17:46,032,099, A>G on the plus strand (T>C on the coding strand, the complement: KANSL1 is on the minus strand). VCF-style: chr17-46032099-A-G. GRCh37 (hg19) VCF-style: chr17-44109465-A-G.
Other names: c.3035T>C, p.Leu1012Ser (NM_001193465.2); c.3038T>C, p.Leu1013Ser (NM_001193466.2, NM_001379198.1); short protein forms L1013S, L1012S.
Identifiers: ClinVar variation 382192 (VCV000382192.10), dbSNP rs138490347, ClinGen allele CA8618395.